The following is an entry in ClinVar:

ClinVar aggregate classification (germline): Uncertain significance (1 of 4 stars; one submission).

Submission:

Labcorp Genetics (formerly Invitae), Labcorp
Classification: Uncertain significance. Last evaluated: 2024-01-06. Review status: criteria provided, single submitter. Criteria: Invitae Variant Classification Sherloc (09022015). Collection method: clinical testing. Allele origin: germline.
Comment: This sequence change replaces lysine, which is basic and polar, with threonine, which is neutral and polar, at codon 1017 of the MYH3 protein (p.Lys1017Thr). This variant is not present in population databases (gnomAD no frequency). This variant has not been reported in the literature in individuals affected with MYH3-related conditions. Advanced modeling of protein sequence and biophysical properties (such as structural, functional, and spatial information, amino acid conservation, physicochemical variation, residue mobility, and thermodynamic stability) has been performed at Invitae for this missense variant, however the output from this modeling did not meet the statistical confidence thresholds required to predict the impact of this variant on MYH3 protein function. In summary, the available evidence is currently insufficient to determine the role of this variant in disease. Therefore, it has been classified as a Variant of Uncertain Significance.

NM_002470.4(MYH3):c.3050A>C (p.Lys1017Thr)

Gene: MYH3 (myosin heavy chain 3; minus strand). Cytogenetic location: 17p13.1.
Variant type: single nucleotide variant.
Coding change: c.3050A>C on transcript NM_002470.4 (MANE Select); coding-DNA position 3050, A replaced by C.
Protein change: p.Lys1017Thr; replaces lysine 1017 with threonine.
Molecular consequence: missense variant.
Genome position (GRCh38, 1-based): chr17:10,639,350, T>G on the plus strand (A>C on the coding strand, the complement: MYH3 is on the minus strand). VCF-style: chr17-10639350-T-G. GRCh37 (hg19) VCF-style: chr17-10542667-T-G.
Other names: short protein forms K1017T.
Identifiers: ClinVar variation 2707931 (VCV002707931.3), dbSNP rs1597485855, ClinGen allele CA398155525.